The following is an entry in ClinVar:

NM_020843.4(SCAPER):c.3395T>C (p.Met1132Thr)

Gene: SCAPER (S-phase cyclin A associated protein in the ER; minus strand). Cytogenetic location: 15q24.3.
Variant type: single nucleotide variant.
Coding change: c.3395T>C on transcript NM_020843.4 (MANE Select); coding-DNA position 3395, T replaced by C.
Protein change: p.Met1132Thr; replaces methionine 1132 with threonine.
Molecular consequence: missense variant. On other transcripts: non-coding transcript variant (1).
Genome position (GRCh38, 1-based): chr15:76,404,596, A>G on the plus strand (T>C on the coding strand, the complement: SCAPER is on the minus strand). VCF-style: chr15-76404596-A-G. GRCh37 (hg19) VCF-style: chr15-76696937-A-G.
Other names: c.3413T>C (NM_001353009.1); c.2657T>C, p.Met886Thr (NM_001145923.2); c.3413T>C, p.Met1138Thr (NM_001353009.2); c.2993T>C, p.Met998Thr (NM_001353010.2, NM_001353012.2); c.3011T>C, p.Met1004Thr (NM_001353011.2); short protein forms M1004T, M1132T, M998T, M1138T, M886T.
Identifiers: ClinVar variation 3437858 (VCV003437858.2).

ClinVar aggregate classification (germline): Uncertain significance. Review status: criteria provided, multiple submitters, no conflicts (2 of 4 stars). 2 submissions from 2 submitters: Uncertain significance (2). Last evaluated 2024-11-15.

Conditions:
SCAPER-related disorder. Also called: SCAPER-related condition.
Inborn genetic diseases. Identifiers: MedGen C0950123, MeSH D030342.

Submissions (2):

PreventionGenetics, part of Exact Sciences
Classification: Uncertain significance for SCAPER-related condition. Last evaluated: 2024-11-15. Review status: criteria provided, single submitter. Criteria: ACMG Guidelines, 2015. Collection method: clinical testing. Allele origin: germline.
Comment: The SCAPER c.3413T>C variant is predicted to result in the amino acid substitution p.Met1138Thr. To our knowledge, this variant has not been reported in the literature. This variant is reported in 0.048% of alleles in individuals of Ashkenazi Jewish descent in gnomAD. At this time, the clinical significance of this variant is uncertain due to the absence of conclusive functional and genetic evidence.

Ambry Genetics
Classification: Uncertain significance for Inborn genetic diseases. Last evaluated: 2024-07-25. Review status: criteria provided, single submitter. Criteria: Ambry Variant Classification Scheme 2023. Collection method: clinical testing. Allele origin: germline.